The following is an entry in ClinVar:

ClinVar aggregate classification (germline): Uncertain significance (1 of 4 stars; one submission).

Conditions:
Acute myeloid leukemia (AML). Also called: Leukemia, acute myeloid, somatic; Leukemia, acute myelogenous, somatic; Acute myeloid leukemia, adult; AML adult; Acute non-lymphocytic leukemia; Acute granulocytic leukemia. Identifiers: Orphanet 519, MedGen C0023467, MeSH D015470, MONDO:0018874, OMIM 601626, HP:0004808. Disease mechanism: Constitutively activated FLT3.

Submission:

Labcorp Genetics (formerly Invitae), Labcorp
Classification: Uncertain significance for Acute myeloid leukemia. Last evaluated: 2022-12-19. Review status: criteria provided, single submitter. Criteria: Invitae Variant Classification Sherloc (09022015). Collection method: clinical testing. Allele origin: germline.
Comment: ClinVar contains an entry for this variant (Variation ID: 1386699). This sequence change replaces proline, which is neutral and non-polar, with leucine, which is neutral and non-polar, at codon 145 of the CEBPA protein (p.Pro145Leu). The frequency data for this variant in the population databases is considered unreliable, as metrics indicate insufficient coverage at this position in the gnomAD database. This variant has not been reported in the literature in individuals affected with CEBPA-related conditions. Advanced modeling of protein sequence and biophysical properties (such as structural, functional, and spatial information, amino acid conservation, physicochemical variation, residue mobility, and thermodynamic stability) performed at Invitae indicates that this missense variant is not expected to disrupt CEBPA protein function. In summary, the available evidence is currently insufficient to determine the role of this variant in disease. Therefore, it has been classified as a Variant of Uncertain Significance.

NM_004364.5(CEBPA):c.434C>T (p.Pro145Leu)

Gene: CEBPA (CCAAT enhancer binding protein alpha; minus strand). Cytogenetic location: 19q13.11.
Variant type: single nucleotide variant.
Coding change: c.434C>T on transcript NM_004364.5 (MANE Select); coding-DNA position 434, C replaced by T.
Protein change: p.Pro145Leu; replaces proline 145 with leucine.
Molecular consequence: missense variant.
Genome position (GRCh38, 1-based): chr19:33,301,981, G>A on the plus strand (C>T on the coding strand, the complement: CEBPA is on the minus strand). VCF-style: chr19-33301981-G-A. GRCh37 (hg19) VCF-style: chr19-33792887-G-A.
Other names: c.77C>T, p.Pro26Leu (NM_001285829.2); c.539C>T, p.Pro180Leu (NM_001287424.2); c.392C>T, p.Pro131Leu (NM_001287435.2); short protein forms P131L, P26L, P145L, P180L.
Identifiers: ClinVar variation 1386699 (VCV001386699.8), dbSNP rs2145262134, ClinGen allele CA405274959.
Genomic context (GRCh38, chr19:33,301,981, plus strand): 5'-CGGGGCTCCTGCTTGATCACCAGCGGCCGCAGCGCCGGCGCCCCGACGCGCTCGTACAGG[G>A]GCTCCAGCCTGCCGTCCAGGTAGCCGGCGGCCGCGCAGCCGTAGCCGGGCGGGGGCCCGT-3'
Protein context (NP_004355.2, residues 135-155): AAGYLDGRLE[Pro145Leu]LYERVGAPAL